The following is an entry in ClinVar:

NM_170707.4(LMNA):c.77T>C (p.Ile26Thr)

Genes: LMNA (lamin A/C; plus strand), LOC129931597 (ATAC-STARR-seq lymphoblastoid silent region 1421; plus strand). Cytogenetic location: 1q22.
Variant type: single nucleotide variant.
Coding change: c.77T>C on transcript NM_170707.4 (MANE Select); coding-DNA position 77, T replaced by C.
Protein change: p.Ile26Thr; replaces isoleucine 26 with threonine.
Molecular consequence: missense variant.
Genome position (GRCh38, 1-based): chr1:156,114,995, T>C. VCF-style: chr1-156114995-T-C. GRCh37 (hg19) VCF-style: chr1-156084786-T-C.
Other names: p.I26T:ATC>ACC; c.77T>C, p.Ile26Thr (NM_001282625.2, NM_001282626.2, NM_005572.4 and 1 more transcripts); short protein forms I26T.
Identifiers: ClinVar variation 200951 (VCV000200951.5), dbSNP rs794728600, ClinGen allele CA018621.
Genomic context (GRCh38, chr1:156,114,995, plus strand): 5'-AGCGGCGCGCCACCCGCAGCGGGGCGCAGGCCAGCTCCACTCCGCTGTCGCCCACCCGCA[T>C]CACCCGGCTGCAGGAGAAGGAGGACCTGCAGGAGCTCAATGATCGCTTGGCGGTCTACAT-3'
Protein context (NP_733821.1, residues 16-36): ASSTPLSPTR[Ile26Thr]TRLQEKEDLQ

ClinVar aggregate classification (germline): Uncertain significance. Review status: criteria provided, multiple submitters, no conflicts (2 of 4 stars). 2 submissions from 2 submitters: Uncertain significance (2). Last evaluated 2024-07-19.

Conditions:
Cardiovascular phenotype. Identifiers: MedGen CN230736.

Submissions (2):

Ambry Genetics
Classification: Uncertain significance for Cardiovascular phenotype. Last evaluated: 2024-07-19. Review status: criteria provided, single submitter. Criteria: Ambry Variant Classification Scheme 2023. Collection method: clinical testing. Allele origin: germline.
Comment: The p.I26T variant (also known as c.77T>C), located in coding exon 1 of the LMNA gene, results from a T to C substitution at nucleotide position 77. The isoleucine at codon 26 is replaced by threonine, an amino acid with similar properties. This amino acid position is highly conserved in available vertebrate species. In addition, this alteration is predicted to be deleterious by in silico analysis. Based on the available evidence, the clinical significance of this variant remains unclear.

GeneDx
Classification: Uncertain significance. Last evaluated: 2022-01-28. Review status: criteria provided, single submitter. Criteria: GeneDx Variant Classification Process June 2021. Collection method: clinical testing. Allele origin: germline. Affected: yes.
Comment: Has not been previously published as pathogenic or benign to our knowledge; Not observed at significant frequency in large population cohorts (gnomAD); In silico analysis supports that this missense variant has a deleterious effect on protein structure/function; This variant is associated with the following publications: (PMID: 10939567)